The following is an entry in ClinVar:

ClinVar aggregate classification (germline): Likely benign (1 of 4 stars; one submission).

Submission:

CeGaT Center for Human Genetics Tuebingen
Classification: Likely benign. Last evaluated: 2026-02-01. Review status: criteria provided, single submitter. Criteria: CeGaT Center For Human Genetics Tuebingen Variant Classification Criteria Version 2. Collection method: clinical testing. Allele origin: germline. Affected: yes. Observed: 2 variant alleles.
Comment: SARM1: PM2:Supporting, BP4, BP7

NM_015077.4(SARM1):c.552G>C (p.Val184=)

Gene: SARM1 (sterile alpha and TIR motif containing 1; plus strand). Cytogenetic location: 17q11.2.
Variant type: single nucleotide variant.
Coding change: c.552G>C on transcript NM_015077.4 (MANE Select); coding-DNA position 552, G replaced by C.
Protein change: p.Val184=; no amino-acid change (valine 184 retained).
Molecular consequence: synonymous variant.
Genome position (GRCh38, 1-based): chr17:28,381,284, G>C. VCF-style: chr17-28381284-G-C. GRCh37 (hg19) VCF-style: chr17-26708303-G-C.
Identifiers: ClinVar variation 4534045 (VCV004534045.6).